The following is an entry in ClinVar:

NM_015041.3(CLUAP1):c.400-3C>T

Gene: CLUAP1 (clusterin associated protein 1; plus strand). Cytogenetic location: 16p13.3.
Variant type: single nucleotide variant.
Coding change: c.400-3C>T on transcript NM_015041.3 (MANE Select); 3 bases into the intron before coding-DNA position 400, C replaced by T.
Molecular consequence: intron variant.
Genome position (GRCh38, 1-based): chr16:3,512,380, C>T. VCF-style: chr16-3512380-C-T. GRCh37 (hg19) VCF-style: chr16-3562380-C-T.
Other names: c.400-3C>T (NM_001330454.2); c.-4+2411C>T (NM_024793.3).
Identifiers: ClinVar variation 717034 (VCV000717034.14), dbSNP rs75800384, ClinGen allele CA7863723.

ClinVar aggregate classification (germline): Benign. Review status: criteria provided, multiple submitters, no conflicts (2 of 4 stars). 3 submissions from 3 submitters: Benign (2). 1 of the submissions does not count toward it. Last evaluated 2026-01-26.

Conditions:
CLUAP1-related disorder. Also called: CLUAP1-related condition.

Allele frequency attached by ClinVar (database versions not stated): 1000 Genomes Project 0.00559; 1000 Genomes Project 30x 0.00625; gnomAD 0.00649 and 0.00699; ESP Exome Variant Server 0.00731; TOPMed 0.00756.
gnomAD v4.1: 2,083 of 1,611,736 alleles (0.13%); highest among the groups gnomAD compares: African/African-American, 2.2%; 24 homozygotes.

Submissions (7):

Labcorp Genetics (formerly Invitae), Labcorp
Classification: Benign. Last evaluated: 2026-01-26. Review status: criteria provided, single submitter. Criteria: Invitae Variant Classification Sherloc (09022015). Collection method: clinical testing. Allele origin: germline.

Breakthrough Genomics
Classification: Benign. Review status: criteria provided, single submitter. Criteria: ACMG Guidelines, 2015. Collection method: not provided. Allele origin: germline. Inheritance: Unknown mechanism. Affected: yes.

PreventionGenetics, part of Exact Sciences
Classification: Benign for CLUAP1-related condition. Last evaluated: 2024-04-16. Review status: no assertion criteria provided. Collection method: clinical testing. Allele origin: germline. Not counted in ClinVar's aggregate classification.
Comment: This variant is classified as benign based on ACMG/AMP sequence variant interpretation guidelines (Richards et al. 2015 PMID: 25741868, with internal and published modifications).

Dr. Peter K. Rogan Lab, Western University
No classification provided (evidence only). Condition: Sarcoma. Review status: no classification provided. Collection method: in vitro. Allele origin: not applicable. Functional consequence: retained intron. Not counted in ClinVar's aggregate classification.

Dr. Peter K. Rogan Lab, Western University
No classification provided (evidence only). Condition: Cholangiocarcinoma. Review status: no classification provided. Collection method: in vitro. Allele origin: not applicable. Functional consequence: skipped exon. Not counted in ClinVar's aggregate classification.

Dr. Peter K. Rogan Lab, Western University
No classification provided (evidence only). Condition: Ovarian serous cystadenocarcinoma. Review status: no classification provided. Collection method: in vitro. Allele origin: not applicable. Functional consequence: retained intron. Not counted in ClinVar's aggregate classification.

Dr. Peter K. Rogan Lab, Western University
No classification provided (evidence only). Condition: Malignant tumor of esophagus. Review status: no classification provided. Collection method: in vitro. Allele origin: not applicable. Functional consequence: skipped exon, retained intron. Not counted in ClinVar's aggregate classification.